The following is an entry in ClinVar:

NM_178497.5(ODAPH):c.54A>T (p.Val18=)

Gene: ODAPH (odontogenesis associated phosphoprotein; plus strand). Cytogenetic location: 4q21.1.
Variant type: single nucleotide variant.
Coding change: c.54A>T on transcript NM_178497.5 (MANE Select); coding-DNA position 54, A replaced by T.
Protein change: p.Val18=; no amino-acid change (valine 18 retained).
Molecular consequence: synonymous variant. On other transcripts: non-coding transcript variant (2).
Genome position (GRCh38, 1-based): chr4:75,556,136, A>T. VCF-style: chr4-75556136-A-T. GRCh37 (hg19) VCF-style: chr4-76481346-A-T.
Other names: c.54A>T, p.Val18= (NM_001206981.2, NM_001257072.2).
Identifiers: ClinVar variation 3041580 (VCV003041580.2), dbSNP rs754990168, ClinGen allele CA2964896.

ClinVar aggregate classification (germline): Likely benign (0 of 4 stars; one submission).

Conditions:
ODAPH-related disorder. Also called: ODAPH-related condition.

Allele frequency attached by ClinVar (database versions not stated): ExAC 0.00005; gnomAD 0.00012; gnomAD exomes 0.00022.

Submission:

PreventionGenetics, part of Exact Sciences
Classification: Likely benign for ODAPH-related condition. Last evaluated: 2023-07-18. Review status: no assertion criteria provided. Collection method: clinical testing. Allele origin: germline.
Comment: This variant is classified as likely benign based on ACMG/AMP sequence variant interpretation guidelines (Richards et al. 2015 PMID: 25741868, with internal and published modifications).